The following is an entry in ClinVar:

NM_018486.3(HDAC8):c.527A>G (p.Asp176Gly)

Gene: HDAC8 (histone deacetylase 8; minus strand). Cytogenetic location: Xq13.1.
Variant type: single nucleotide variant.
Coding change: c.527A>G on transcript NM_018486.3 (MANE Select); coding-DNA position 527, A replaced by G.
Protein change: p.Asp176Gly; replaces aspartic acid 176 with glycine.
Molecular consequence: missense variant. On other transcripts: non-coding transcript variant (1).
Genome position (GRCh38, 1-based): chrX:72,495,179, T>C on the plus strand (A>G on the coding strand, the complement: HDAC8 is on the minus strand). VCF-style: chrX-72495179-T-C. GRCh37 (hg19) VCF-style: chrX-71715029-T-C.
Other names: c.254A>G, p.Asp85Gly (NM_001166418.2, NM_001166448.2); c.527A>G, p.Asp176Gly (NM_001166419.2); short protein forms D176G, D85G.
Identifiers: ClinVar variation 374393 (VCV000374393.1), dbSNP rs1057518727, ClinGen allele CA16043715.

ClinVar aggregate classification (germline): Likely pathogenic (0 of 4 stars; one submission).

Conditions:
Cornelia de Lange syndrome 5 (CDLS5). Also called: HDAC8-Related Cornelia de Lange Syndrome. Identifiers: Orphanet 199, MedGen C3550903, MONDO:0010471, OMIM 300882.

Submission:

Baylor Genetics
Classification: Likely pathogenic for Cornelia de Lange syndrome 5. Last evaluated: 2016-05-01. Review status: no assertion criteria provided. Collection method: clinical testing. Allele origin: de novo. Inheritance: X-linked inheritance. Affected: yes.